The following is an entry in ClinVar:

ClinVar aggregate classification (germline): Uncertain significance (1 of 4 stars; one submission).

Allele frequency attached by ClinVar (database versions not stated): gnomAD exomes below 0.00001; TOPMed below 0.00001; gnomAD 0.00001; ExAC 0.00002.
gnomAD v4.1: 6 of 1,613,988 alleles (0.00037%); highest among the groups gnomAD compares: South Asian, 0.0044%; no homozygotes.

Submission:

Labcorp Genetics (formerly Invitae), Labcorp
Classification: Uncertain significance. Last evaluated: 2022-01-13. Review status: criteria provided, single submitter. Criteria: Invitae Variant Classification Sherloc (09022015). Collection method: clinical testing. Allele origin: germline.
Comment: This variant is present in population databases (rs761779258, gnomAD 0.01%). This sequence change replaces glycine, which is neutral and non-polar, with glutamic acid, which is acidic and polar, at codon 360 of the RNF168 protein (p.Gly360Glu). This variant has not been reported in the literature in individuals affected with RNF168-related conditions. Algorithms developed to predict the effect of missense changes on protein structure and function (SIFT, PolyPhen-2, Align-GVGD) all suggest that this variant is likely to be tolerated. In summary, the available evidence is currently insufficient to determine the role of this variant in disease. Therefore, it has been classified as a Variant of Uncertain Significance.

NM_152617.4(RNF168):c.1079G>A (p.Gly360Glu)

Gene: RNF168 (ring finger protein 168; minus strand). Cytogenetic location: 3q29.
Variant type: single nucleotide variant.
Coding change: c.1079G>A on transcript NM_152617.4 (MANE Select); coding-DNA position 1079, G replaced by A.
Protein change: p.Gly360Glu; replaces glycine 360 with glutamic acid.
Molecular consequence: missense variant.
Genome position (GRCh38, 1-based): chr3:196,472,456, C>T on the plus strand (G>A on the coding strand, the complement: RNF168 is on the minus strand). VCF-style: chr3-196472456-C-T. GRCh37 (hg19) VCF-style: chr3-196199327-C-T.
Other names: short protein forms G360E.
Identifiers: ClinVar variation 1903368 (VCV001903368.5), dbSNP rs761779258, ClinGen allele CA2780737.